The following is an entry in ClinVar:

ClinVar aggregate classification (germline): Uncertain significance (1 of 4 stars; one submission).

Allele frequency attached by ClinVar (database versions not stated): gnomAD exomes below 0.00001; ExAC 0.00001.
gnomAD v4.1: 6 of 1,608,112 alleles (0.00037%); highest among the groups gnomAD compares: African/African-American, 0.0013%; no homozygotes.

Submission:

ARUP Laboratories, Molecular Genetics and Genomics, ARUP Laboratories
Classification: Uncertain significance. Last evaluated: 2017-11-09. Review status: criteria provided, single submitter. Criteria: ARUP Molecular Germline Variant Investigation Process. Collection method: clinical testing. Allele origin: germline.
Comment: The p.Arg1958Trp variant (rs763121137) has not been reported in the medical literature, gene specific variation databases, nor has it been previously identified by our laboratory. This variant is listed in the Genome Aggregation Database (gnomAD) identified on a single chromosome out of 242,536 chromosomes. The arginine at position 1,958 is highly conserved considering 12 species up to Bakerâ€™s yeast (Alamut v2.10) and computational analyses of the p.Arg1958Trp variant on protein structure and function indicate a deleterious effect (SIFT: damaging, MutationTaster: disease causing, PolyPhen-2: probably damaging). Altogether, there is not enough evidence to classify the p.Arg1958Trp variant with certainty.

NM_001256012.3(MYH10):c.5872C>T (p.Arg1958Trp)

Genes: MYH10 (myosin heavy chain 10; minus strand), LOC125177414 (Sharpr-MPRA regulatory region 9669; plus strand). Cytogenetic location: 17p13.1.
Variant type: single nucleotide variant.
Coding change: c.5872C>T on transcript NM_001256012.3 (MANE Select); coding-DNA position 5872, C replaced by T.
Protein change: p.Arg1958Trp; replaces arginine 1958 with tryptophan.
Molecular consequence: missense variant.
Genome position (GRCh38, 1-based): chr17:8,476,883, G>A on the plus strand (C>T on the coding strand, the complement: MYH10 is on the minus strand). VCF-style: chr17-8476883-G-A. GRCh37 (hg19) VCF-style: chr17-8380201-G-A.
Other names: c.5806C>T, p.Arg1936Trp (NM_001256095.2); c.5809C>T, p.Arg1937Trp (NM_001375266.1); c.5779C>T, p.Arg1927Trp (NM_005964.5); short protein forms R1958W, R1927W, R1936W, R1937W.
Identifiers: ClinVar variation 618226 (VCV000618226.9), dbSNP rs763121137, ClinGen allele CA8376676.